The following is an entry in ClinVar:

ClinVar aggregate classification (germline): Uncertain significance. Review status: criteria provided, multiple submitters, no conflicts (2 of 4 stars). 4 submissions from 4 submitters: Uncertain significance (4). Last evaluated 2026-09-01.

Conditions:
Long QT syndrome (LQTS). Identifiers: MedGen C0023976, MeSH D008133, MONDO:0002442. Disease mechanism: loss of function. Inheritance: Various modes of inheritance.

gnomAD v4.1: 7 of 1,614,192 alleles (0.00043%); highest among the groups gnomAD compares: Non-Finnish European, 0.00059%; no homozygotes.

Submissions (4):

CeGaT Center for Human Genetics Tuebingen
Classification: Uncertain significance. Last evaluated: 2026-09-01. Review status: criteria provided, single submitter. Criteria: CeGaT Center For Human Genetics Tuebingen Variant Classification Criteria Version 2. Collection method: clinical testing. Allele origin: germline. Affected: yes. Observed: 1 variant allele.
Comment: CAV3: PVS1:Moderate, PM2:Supporting

Labcorp Genetics (formerly Invitae), Labcorp
Classification: Uncertain significance for Long QT syndrome. Last evaluated: 2026-01-24. Review status: criteria provided, single submitter. Criteria: Invitae Variant Classification Sherloc (09022015). Collection method: clinical testing. Allele origin: germline.
Comment: This sequence change creates a premature translational stop signal (p.Cys98*) in the CAV3 gene. While this is not anticipated to result in nonsense mediated decay, it is expected to disrupt the last 54 amino acid(s) of the CAV3 protein. This variant is not present in population databases (gnomAD no frequency). This premature translational stop signal has been observed in individual(s) with CAV3-related conditions (PMID: 23861362). ClinVar contains an entry for this variant (Variation ID: 191444). In summary, the available evidence is currently insufficient to determine the role of this variant in disease. Therefore, it has been classified as a Variant of Uncertain Significance.

AiLife Diagnostics
Classification: Uncertain significance. Last evaluated: 2021-08-24. Review status: criteria provided, single submitter. Criteria: ACMG Guidelines, 2015. Collection method: clinical testing. Allele origin: germline. Affected: yes. Observed: 1 variant allele.

Biesecker Lab/Clinical Genomics Section, National Institutes of Health
Classification: Uncertain significance. Last evaluated: 2013-06-24. Review status: criteria provided, single submitter. Criteria: Ng et al. (Circ Cardiovasc Genet. 2013). Collection method: research. Allele origin: unknown. Observed: 1 variant allele. Study: ClinSeq.
Comment: The study set was not selected for affection status in relation to any cancer. Pathogenicity categories were based on literature curation. See Pubmed ID:23861362 for details.

Medical sequencing

Literature cited by the submitters: PubMed 23861362 (cited by Labcorp Genetics (formerly Invitae), Labcorp).

NM_033337.3(CAV3):c.294C>A (p.Cys98Ter)

Genes: CAV3 (caveolin 3; plus strand), OXTR (oxytocin receptor; minus strand). Cytogenetic location: 3p25.3.
Variant type: single nucleotide variant.
Coding change: c.294C>A on transcript NM_033337.3 (MANE Select); coding-DNA position 294, C replaced by A.
Protein change: p.Cys98Ter; replaces cysteine 98 with a stop codon.
Molecular consequence: nonsense.
Genome position (GRCh38, 1-based): chr3:8,745,705, C>A. VCF-style: chr3-8745705-C-A. GRCh37 (hg19) VCF-style: chr3-8787391-C-A.
Other names: c.294C>A, p.Cys98Ter (NM_001234.5); short protein forms C98*.
Identifiers: ClinVar variation 191444 (VCV000191444.6), dbSNP rs200202503, ClinGen allele CA236680.
Genomic context (GRCh38, chr3:8,745,705, plus strand): 5'-GCTGCTGGGCGTCCCACTGGCCCTGCTCTGGGGCTTCCTGTTCGCCTGCATCTCCTTCTG[C>A]CACATCTGGGCGGTGGTGCCATGCATTAAGAGCTACCTGATCGAGATCCAGTGCATCAGC-3'